The following is an entry in ClinVar:

NM_139076.3(ABRAXAS1):c.1217C>T (p.Ser406Phe)

Gene: ABRAXAS1 (abraxas 1, BRCA1 A complex subunit; minus strand). Cytogenetic location: 4q21.23.
Variant type: single nucleotide variant.
Coding change: c.1217C>T on transcript NM_139076.3 (MANE Select); coding-DNA position 1217, C replaced by T.
Protein change: p.Ser406Phe; replaces serine 406 with phenylalanine.
Molecular consequence: missense variant.
Genome position (GRCh38, 1-based): chr4:83,462,482, G>A on the plus strand (C>T on the coding strand, the complement: ABRAXAS1 is on the minus strand). VCF-style: chr4-83462482-G-A. GRCh37 (hg19) VCF-style: chr4-84383635-G-A.
Other names: c.890C>T, p.Ser297Phe (NM_001345962.2); short protein forms S297F, S406F.
Identifiers: ClinVar variation 1799600 (VCV001799600.3), dbSNP rs1325575122, ClinGen allele CA357254867.

ClinVar aggregate classification (germline): Uncertain significance (1 of 4 stars; one submission).

gnomAD v4.1: 2 of 1,611,502 alleles (0.00012%); no homozygotes.

Submission:

Ambry Genetics
Classification: Uncertain significance. Last evaluated: 2024-08-31. Review status: criteria provided, single submitter. Criteria: Ambry Variant Classification Scheme 2023. Collection method: clinical testing. Allele origin: germline.
Comment: The p.S406F variant (also known as c.1217C>T), located in coding exon 9 of the FAM175A gene, results from a C to T substitution at nucleotide position 1217. The serine at codon 406 is replaced by phenylalanine, an amino acid with highly dissimilar properties. This amino acid position is conserved. In addition, the in silico prediction for this alteration is inconclusive. Since supporting evidence is limited at this time, the clinical significance of this alteration remains unclear.